The following is an entry in ClinVar:

NM_004260.4(RECQL4):c.214-3C>A

Gene: RECQL4 (RecQ like helicase 4; minus strand). Cytogenetic location: 8q24.3.
Variant type: single nucleotide variant.
Coding change: c.214-3C>A on transcript NM_004260.4 (MANE Select); 3 bases into the intron before coding-DNA position 214, C replaced by A.
Molecular consequence: intron variant.
Genome position (GRCh38, 1-based): chr8:144,517,193, G>T on the plus strand (C>A on the coding strand, the complement: RECQL4 is on the minus strand). VCF-style: chr8-144517193-G-T. GRCh37 (hg19) VCF-style: chr8-145742577-G-T.
Identifiers: ClinVar variation 406957 (VCV000406957.21), dbSNP rs367849648, ClinGen allele CA4949422.

ClinVar aggregate classification (germline): Uncertain significance. Review status: criteria provided, multiple submitters, no conflicts (2 of 4 stars). 7 submissions from 7 submitters: Uncertain significance (6). 1 of the submissions does not count toward it. Last evaluated 2026-09-06.

Conditions:
RECQL4-related disorder. Also called: RECQL4-related disorders; RECQL4-related condition.
Rothmund-Thomson syndrome type 2 (RTS2). Identifiers: Orphanet 221016, MedGen C5203410, MONDO:0016369, OMIM 268400.
Hereditary cancer-predisposing syndrome. Also called: Neoplastic Syndromes, Hereditary; Tumor predisposition; Hereditary Cancer Syndrome; Hereditary neoplastic syndrome. Identifiers: Orphanet 140162, MedGen C0027672, MeSH D009386, MONDO:0015356.
Baller-Gerold syndrome (BGS). Also called: CRANIOSYNOSTOSIS WITH RADIAL DEFECTS. Identifiers: Orphanet 1225, MedGen C0265308, MONDO:0009039, OMIM 218600.

Allele frequency attached by ClinVar (database versions not stated): 1000 Genomes Project 30x 0.00016; 1000 Genomes Project 0.00020; gnomAD 0.00025; TOPMed 0.00035; ESP Exome Variant Server 0.00042.
gnomAD v4.1: 90 of 1,597,398 alleles (0.0056%); highest among the groups gnomAD compares: African/African-American, 0.099%; no homozygotes.

Submissions (7):

PreventionGenetics, part of Exact Sciences
Classification: Uncertain significance for RECQL4-related condition. Last evaluated: 2026-09-06. Review status: criteria provided, single submitter. Criteria: ACMG Guidelines, 2015. Collection method: clinical testing. Allele origin: germline.
Comment: The RECQL4 c.214-3C>A variant is predicted to interfere with splicing. However, the use of computer prediction programs is not equivalent to functional evidence. To our knowledge, this variant has not been reported in the literature. This variant is reported in 0.082% of alleles in individuals of African descent in gnomAD. It is interpreted as uncertain significance in ClinVar (Variation ID: 406957). At this time, the clinical significance of this variant is uncertain due to the absence of conclusive functional and genetic evidence.

St. Jude Molecular Pathology, St. Jude Children's Research Hospital
Classification: Uncertain significance for Rothmund-Thomson syndrome type 2. Last evaluated: 2026-02-20. Review status: criteria provided, single submitter. Criteria: St. Jude Assertion Criteria 2020. Collection method: clinical testing. Allele origin: germline.
Comment: The RECQL4 c.214-3C>A intronic change results from a C to A substitution at the -3 p osition of intron 3 of the RECQL4 gene. Algorithms that predict the impact of sequence changes on splicing indicate that this variant does not affect splicing (BP4), but to our knowledge these predictions have not been confirmed by RNA studies. This vari ant has a maximum subpopulation frequency of 0.081% in gnomAD v2.1.1. To our knowledge, this variant has not been reported in individuals with RECQL4-associated disorders. In summary, this variant meets criteria to be classified as of uncertain significance.

Revvity Omics, Revvity
Classification: Uncertain significance. Last evaluated: 2025-06-23. Review status: criteria provided, single submitter. Criteria: ACMG Guidelines, 2015. Collection method: clinical testing. Allele origin: germline.

Labcorp Genetics (formerly Invitae), Labcorp
Classification: Uncertain significance for Baller-Gerold syndrome. Last evaluated: 2025-01-28. Review status: criteria provided, single submitter. Criteria: Invitae Variant Classification Sherloc (09022015). Collection method: clinical testing. Allele origin: germline.
Comment: This sequence change falls in intron 3 of the RECQL4 gene. It does not directly change the encoded amino acid sequence of the RECQL4 protein. It affects a nucleotide within the consensus splice site. This variant is present in population databases (rs367849648, gnomAD 0.09%). This variant has not been reported in the literature in individuals affected with RECQL4-related conditions. ClinVar contains an entry for this variant (Variation ID: 406957). Variants that disrupt the consensus splice site are a relatively common cause of aberrant splicing (PMID: 17576681, 9536098). Algorithms developed to predict the effect of sequence changes on RNA splicing suggest that this variant is not likely to affect RNA splicing. In summary, the available evidence is currently insufficient to determine the role of this variant in disease. Therefore, it has been classified as a Variant of Uncertain Significance.

Sema4
Classification: Uncertain significance for Hereditary cancer-predisposing syndrome. Last evaluated: 2021-07-03. Review status: criteria provided, single submitter. Criteria: Sema4 Curation Guidelines. Collection method: curation. Allele origin: germline.
Comment: The RECQL4 c.214-3C>A variant has not been reported in the literature to our knowledge. This variant was observed in 17/20794 chromosomes in the African/African American population, with no homozygotes, according to the Genome Aggregation Database (PMID: 32461654). This variant has been reported in ClinVar (Variation ID 406957). In silico tools that predict the effect of sequence changes on splicing suggest that this variant may have an impact on splicing, though these predictions have not been confirmed by functional studies. The overall evidence is insufficient to meet ACMG/AMP criteria for classifying it as benign or pathogenic. Thus, the clinical significance of this variant is currently uncertain.

GeneDx
Classification: Uncertain significance. Last evaluated: 2019-12-17. Review status: criteria provided, single submitter. Criteria: GeneDx Variant Classification Process June 2021. Collection method: clinical testing. Allele origin: germline. Affected: yes.
Comment: In silico analysis, which includes splice predictors and evolutionary conservation, supports a deleterious effect; Has not been previously published as pathogenic or benign to our knowledge

Genetic Services Laboratory, University of Chicago
Classification: Uncertain significance. Last evaluated: 2022-05-11. Review status: no assertion criteria provided. Collection method: clinical testing. Allele origin: germline. Affected: no. Not counted in ClinVar's aggregate classification.
Comment: DNA sequence analysis of the RECQL4 gene demonstrated a sequence change in intron 3, c.214-3C>A. This change does not appear to have been previously described in individuals with RECQL4 -related disorders. This sequence change has been described in the gnomAD database with a frequency of 0.082% in the African American subpopulation (dbSNP rs367849648). In-silico splice prediction programs provide inconclusive results for this sequence change. The functional significance of this sequence change is not known at present and its contribution to this individual's disease phenotype cannot definitively be determined.

Literature cited by the submitters: PubMed 17576681 (cited by Labcorp Genetics (formerly Invitae), Labcorp); PubMed 9536098 (cited by Labcorp Genetics (formerly Invitae), Labcorp).